The following is an entry in ClinVar:

NM_080680.3(COL11A2):c.116G>A (p.Arg39Lys)

Gene: COL11A2 (collagen type XI alpha 2 chain; minus strand). Cytogenetic location: 6p21.32.
Variant type: single nucleotide variant.
Coding change: c.116G>A on transcript NM_080680.3 (MANE Select); coding-DNA position 116, G replaced by A.
Protein change: p.Arg39Lys; replaces arginine 39 with lysine.
Molecular consequence: missense variant.
Genome position (GRCh38, 1-based): chr6:33,189,436, C>T on the plus strand (G>A on the coding strand, the complement: COL11A2 is on the minus strand). VCF-style: chr6-33189436-C-T. GRCh37 (hg19) VCF-style: chr6-33157213-C-T.
Other names: c.116G>A, p.Arg39Lys (NM_001163771.2, NM_080679.3, NM_080681.3); short protein forms R39K.
Identifiers: ClinVar variation 2507110 (VCV002507110.5), dbSNP rs1583386417, ClinGen allele CA363613420.
Genomic context (GRCh38, chr6:33,189,436, plus strand): 5'-GCCACATCAGCTGGACAGATGCCTTTCGCTCTCCGGACACCATCAGGGAGGGAGGGGAAC[C>T]TCAGGGCCCGGAGCACATCCACAGGGGGTGCACCTGGGAGAGTCCATGATTATCAGGAGA-3'
Protein context (NP_542411.2, residues 29-49): APPVDVLRAL[Arg39Lys]FPSLPDGVRR

ClinVar aggregate classification (germline): Uncertain significance. Review status: criteria provided, multiple submitters, no conflicts (2 of 4 stars). 4 submissions from 4 submitters: Uncertain significance (4). Last evaluated 2025-06-28.

Allele frequency attached by ClinVar (database versions not stated): gnomAD 0.00001.
gnomAD v4.1: 1 of 1,612,992 alleles (0.000062%); highest among the groups gnomAD compares: Admixed American, 0.0017%; no homozygotes.

Submissions (4):

Dasa
Classification: Uncertain significance. Last evaluated: 2025-06-28. Review status: criteria provided, single submitter. Criteria: DASA Assertion Criteria. Collection method: clinical testing. Allele origin: germline.
Comment: NM_080680.3(COL11A2):c.116G>A (p.Arg39Lys) is a missense variant that results in the substitution of arginine with lysine. This variant is rare in population databases. Computational prediction algorithms are consistent with a benign effect. The currently available literature and clinical evidence are not sufficient to establish a definitive association between this variant and the reported condition. Therefore, this variant is classified as a variant of uncertain significance.

Labcorp Genetics (formerly Invitae), Labcorp
Classification: Uncertain significance. Last evaluated: 2025-06-04. Review status: criteria provided, single submitter. Criteria: Invitae Variant Classification Sherloc (09022015). Collection method: clinical testing. Allele origin: germline.
Comment: This sequence change replaces arginine, which is basic and polar, with lysine, which is basic and polar, at codon 39 of the COL11A2 protein (p.Arg39Lys). This variant is not present in population databases (gnomAD no frequency). This variant has not been reported in the literature in individuals affected with COL11A2-related conditions. ClinVar contains an entry for this variant (Variation ID: 2507110). Invitae Evidence Modeling of protein sequence and biophysical properties (such as structural, functional, and spatial information, amino acid conservation, physicochemical variation, residue mobility, and thermodynamic stability) indicates that this missense variant is not expected to disrupt COL11A2 protein function with a negative predictive value of 95%. In summary, the available evidence is currently insufficient to determine the role of this variant in disease. Therefore, it has been classified as a Variant of Uncertain Significance.

GeneDx
Classification: Uncertain significance. Last evaluated: 2022-12-27. Review status: criteria provided, single submitter. Criteria: GeneDx Variant Classification Process June 2021. Collection method: clinical testing. Allele origin: germline. Affected: yes.
Comment: Has not been previously published as pathogenic or benign to our knowledge; Not observed at significant frequency in large population cohorts (gnomAD); In silico analysis supports that this missense variant does not alter protein structure/function

Blueprint Genetics
Classification: Uncertain significance. Last evaluated: 2017-06-07. Review status: criteria provided, single submitter. Criteria: ACMG Guidelines, 2015. Collection method: clinical testing. Allele origin: germline.